The following is an entry in ClinVar:

ClinVar aggregate classification (germline): Conflicting classifications of pathogenicity. Review status: criteria provided, conflicting classifications (1 of 4 stars). 2 submissions from 1 submitter: Uncertain significance (1); Benign (1). Last evaluated 2018-01-13.

Conditions:
Emery-Dreifuss muscular dystrophy 4, autosomal dominant (EDMD4). Also called: EMERY-DREIFUSS MUSCULAR DYSTROPHY 4 WITH VARIABLE FEATURES. Identifiers: Orphanet 261, MedGen C2751807, MONDO:0013071, OMIM 612998.
Autosomal recessive ataxia, Beauce type. Also called: SYNE1 Deficiency; SYNE1-Related Autosomal Recessive Cerebellar Ataxia; Spinocerebellar ataxia, autosomal recessive 8; ATAXIA, RECESSIVE, OF BEAUCE. Identifiers: Orphanet 88644, MedGen C1853116, MONDO:0012549, OMIM 610743.

gnomAD v4.1: 1 of 1,613,948 alleles (0.000062%); no homozygotes.

Submissions (2):

Illumina Laboratory Services, Illumina
Classification: Uncertain significance for Autosomal recessive ataxia, Beauce type. Last evaluated: 2018-01-13. Review status: criteria provided, single submitter. Criteria: ICSL Variant Classification Criteria 13 December 2019. Collection method: clinical testing. Allele origin: germline.

Illumina Laboratory Services, Illumina
Classification: Benign for Emery-Dreifuss muscular dystrophy 4, autosomal dominant. Last evaluated: 2018-01-13. Review status: criteria provided, single submitter. Criteria: ICSL Variant Classification Criteria 13 December 2019. Collection method: clinical testing. Allele origin: germline.
Comment: This variant was observed in the ICSL laboratory as part of a predisposition screen in an ostensibly healthy population. It had not been previously curated by ICSL or reported in the Human Gene Mutation Database (HGMD: prior to June 1st, 2018), and was therefore a candidate for classification through an automated scoring system. Utilizing variant allele frequency, disease prevalence and penetrance estimates, and inheritance mode, an automated score was calculated to assess if this variant is too frequent to cause the disease. Based on the score and internal cut-off values, a variant classified as benign is not then subjected to further curation. The score for this variant resulted in a classification of benign for this disease.

NM_182961.4(SYNE1):c.23046A>G (p.Ile7682Met)

Gene: SYNE1 (spectrin repeat containing nuclear envelope protein 1; minus strand). Cytogenetic location: 6q25.2.
Variant type: single nucleotide variant.
Coding change: c.23046A>G on transcript NM_182961.4 (MANE Select); coding-DNA position 23046, A replaced by G.
Protein change: p.Ile7682Met; replaces isoleucine 7682 with methionine.
Molecular consequence: missense variant.
Genome position (GRCh38, 1-based): chr6:152,201,923, T>C on the plus strand (A>G on the coding strand, the complement: SYNE1 is on the minus strand). VCF-style: chr6-152201923-T-C. GRCh37 (hg19) VCF-style: chr6-152523058-T-C.
Other names: c.22833A>G, p.Ile7611Met (NM_033071.5); short protein forms I7682M, I7611M.
Identifiers: ClinVar variation 355823 (VCV000355823.5), dbSNP rs772452257, ClinGen allele CA4053705.